The following is an entry in ClinVar:

ClinVar aggregate classification (germline): Conflicting classifications of pathogenicity. Review status: criteria provided, conflicting classifications (1 of 4 stars). 6 submissions from 6 submitters: Uncertain significance (1); Benign (1); Likely benign (3). 1 of the submissions does not count toward it. Last evaluated 2026-05-01.

Conditions:
TG-related disorder. Also called: TG-related condition; TG-related disorders.
Premature ovarian insufficiency (POF). Also called: Premature ovarian failure. Identifiers: MedGen C4303540, HP:0008209.
Iodotyrosyl coupling defect (TDH3). Also called: THYROID HORMONOGENESIS, GENETIC DEFECT IN, 3; HYPOTHYROIDISM, CONGENITAL, DUE TO DYSHORMONOGENESIS, 3. Identifiers: Orphanet 95716, MedGen C0342194, MONDO:0010135, OMIM 274700.

Allele frequency attached by ClinVar (database versions not stated): 1000 Genomes Project 0.00180; gnomAD 0.00229; gnomAD exomes 0.00306 and 0.00474; TOPMed 0.00276; 1000 Genomes Project 30x 0.00187; ExAC 0.00325.
gnomAD v4.1: 7,302 of 1,613,570 alleles (0.45%); highest among the groups gnomAD compares: Non-Finnish European, 0.54%; 35 homozygotes.

Submissions (6):

CeGaT Center for Human Genetics Tuebingen
Classification: Likely benign. Last evaluated: 2026-05-01. Review status: criteria provided, single submitter. Criteria: CeGaT Center For Human Genetics Tuebingen Variant Classification Criteria Version 2. Collection method: clinical testing. Allele origin: germline. Affected: yes. Observed: 3 variant alleles.
Comment: TG: BP4, BS2

Labcorp Genetics (formerly Invitae), Labcorp
Classification: Benign. Last evaluated: 2026-01-31. Review status: criteria provided, single submitter. Criteria: Invitae Variant Classification Sherloc (09022015). Collection method: clinical testing. Allele origin: germline.

PreventionGenetics, part of Exact Sciences
Classification: Likely benign for TG-related condition. Last evaluated: 2025-07-09. Review status: criteria provided, single submitter. Criteria: ACMG Guidelines, 2015. Collection method: clinical testing. Allele origin: germline.
Comment: This variant is classified as likely benign based on ACMG/AMP sequence variant interpretation guidelines (Richards et al. 2015 PMID: 25741868, with internal and published modifications).

Lupski Lab, Baylor-Hopkins CMG, Baylor College of Medicine
Classification: Uncertain significance for Primary Ovarian Insufficiency. Last evaluated: 2019-04-22. Review status: criteria provided, single submitter. Criteria: Jolly et al. (J Clin Endocrinol Metab. 2019). Collection method: research. Allele origin: inherited, unknown. Inheritance: Autosomal recessive inheritance. Affected: yes and no. Observed: 6 variant alleles, 5 heterozygotes, 1 homozygote. Clinical features observed: Hypergonadotropic hypogonadism (HP:0000815), Hashimoto thyroiditis (HP:0000872).

Illumina Laboratory Services, Illumina
Classification: Likely benign for Iodotyrosyl coupling defect. Last evaluated: 2017-04-27. Review status: criteria provided, single submitter. Criteria: ICSL Variant Classification Criteria 13 December 2019. Collection method: clinical testing. Allele origin: germline.
Comment: This variant was observed as part of a predisposition screen in an ostensibly healthy population. A literature search was performed for the gene, cDNA change, and amino acid change (where applicable). No publications were found based on this search. Allele frequency data from public databases allowed determination this variant is unlikely to cause disease. Therefore, this variant is classified as likely benign.

OMIM
Classification: Uncertain significance for RECLASSIFIED - VARIANT OF UNKNOWN SIGNIFICANCE. Last evaluated: 2005-09-01. Review status: no assertion criteria provided. Collection method: literature only. Allele origin: germline. Not counted in ClinVar's aggregate classification.

Literature cited by the submitters: PubMed 16187910 (cited by OMIM); PubMed 8094490 (cited by OMIM).

NM_003235.5(TG):c.2610G>T (p.Gln870His)

Gene: TG (thyroglobulin; plus strand). Cytogenetic location: 8q24.22.
Variant type: single nucleotide variant.
Coding change: c.2610G>T on transcript NM_003235.5 (MANE Select); coding-DNA position 2610, G replaced by T.
Protein change: p.Gln870His; replaces glutamine 870 with histidine.
Molecular consequence: missense variant.
Genome position (GRCh38, 1-based): chr8:132,888,417, G>T. VCF-style: chr8-132888417-G-T. GRCh37 (hg19) VCF-style: chr8-133900662-G-T.
Other names: short protein forms Q870H.
Identifiers: ClinVar variation 12690 (VCV000012690.33), dbSNP rs2229843, ClinGen allele CA210696.
Genomic context (GRCh38, chr8:132,888,417, plus strand): 5'-GGAAGGGAAACGGCCCCAGCCCAGGGAGAATATCCTCCTGGAGCCCTACCTCTTCTGGCA[G>T]ATCTTAAATGGCCAACTCAGCCAATACCCGGGGTCCTACTCAGACTTCAGCACTCCTTTG-3'
Protein context (NP_003226.4, residues 860-880): NILLEPYLFW[Gln870His]ILNGQLSQYP